The following is an entry in ClinVar:

NM_080680.3(COL11A2):c.452G>A (p.Arg151His)

Gene: COL11A2 (collagen type XI alpha 2 chain; minus strand). Cytogenetic location: 6p21.32.
Variant type: single nucleotide variant.
Coding change: c.452G>A on transcript NM_080680.3 (MANE Select); coding-DNA position 452, G replaced by A.
Protein change: p.Arg151His; replaces arginine 151 with histidine.
Molecular consequence: missense variant.
Genome position (GRCh38, 1-based): chr6:33,188,516, C>T on the plus strand (G>A on the coding strand, the complement: COL11A2 is on the minus strand). VCF-style: chr6-33188516-C-T. GRCh37 (hg19) VCF-style: chr6-33156293-C-T.
Other names: c.452G>A, p.Arg151His (NM_001163771.2, NM_080679.3, NM_080681.3); short protein forms R151H.
Identifiers: ClinVar variation 1313130 (VCV001313130.6), dbSNP rs775576672, ClinGen allele CA3751657.

ClinVar aggregate classification (germline): Uncertain significance. Review status: criteria provided, multiple submitters, no conflicts (2 of 4 stars). 3 submissions from 3 submitters: Uncertain significance (3). Last evaluated 2025-12-28.

Allele frequency attached by ClinVar (database versions not stated): gnomAD exomes below 0.00001 and 0.00001; ExAC 0.00001.
gnomAD v4.1: 7 of 1,612,984 alleles (0.00043%); highest among the groups gnomAD compares: African/African-American, 0.0027%; no homozygotes.

Submissions (3):

Labcorp Genetics (formerly Invitae), Labcorp
Classification: Uncertain significance. Last evaluated: 2025-12-28. Review status: criteria provided, single submitter. Criteria: Invitae Variant Classification Sherloc (09022015). Collection method: clinical testing. Allele origin: germline.
Comment: This sequence change replaces arginine, which is basic and polar, with histidine, which is basic and polar, at codon 151 of the COL11A2 protein (p.Arg151His). This variant is present in population databases (rs775576672, gnomAD 0.003%). This variant has not been reported in the literature in individuals affected with COL11A2-related conditions. ClinVar contains an entry for this variant (Variation ID: 1313130). Invitae Evidence Modeling of protein sequence and biophysical properties (such as structural, functional, and spatial information, amino acid conservation, physicochemical variation, residue mobility, and thermodynamic stability) indicates that this missense variant is not expected to disrupt COL11A2 protein function with a negative predictive value of 95%. In summary, the available evidence is currently insufficient to determine the role of this variant in disease. Therefore, it has been classified as a Variant of Uncertain Significance.

Blueprint Genetics
Classification: Uncertain significance. Last evaluated: 2024-06-18. Review status: criteria provided, single submitter. Criteria: ACMG Guidelines, 2015. Collection method: clinical testing. Allele origin: germline.

GeneDx
Classification: Uncertain significance. Last evaluated: 2022-05-23. Review status: criteria provided, single submitter. Criteria: GeneDx Variant Classification Process June 2021. Collection method: clinical testing. Allele origin: germline. Affected: yes.
Comment: In silico analysis supports that this missense variant has a deleterious effect on protein structure/function; Has not been previously published as pathogenic or benign to our knowledge